The following is an entry in ClinVar:

NM_004415.4(DSP):c.5280C>A (p.Asn1760Lys)

Gene: DSP (desmoplakin; plus strand). Cytogenetic location: 6p24.3.
Variant type: single nucleotide variant.
Coding change: c.5280C>A on transcript NM_004415.4 (MANE Select); coding-DNA position 5280, C replaced by A.
Protein change: p.Asn1760Lys; replaces asparagine 1760 with lysine.
Molecular consequence: missense variant. On other transcripts: intron variant (2).
Genome position (GRCh38, 1-based): chr6:7,581,470, C>A. VCF-style: chr6-7581470-C-A. GRCh37 (hg19) VCF-style: chr6-7581703-C-A.
Other names: c.4051-1172C>A (NM_001319034.2); c.3583-1172C>A (NM_001008844.3); short protein forms N1760K.
Identifiers: ClinVar variation 3749274 (VCV003749274.3).

ClinVar aggregate classification (germline): Uncertain significance. Review status: criteria provided, multiple submitters, no conflicts (2 of 4 stars). 2 submissions from 2 submitters: Uncertain significance (2). Last evaluated 2025-06-04.

Conditions:
Cardiomyopathy (CMYO). Also called: Cardiomyopathies. Identifiers: Orphanet 167848, MedGen C0878544, MONDO:0004994, HP:0001638. Inheritance: Various modes of inheritance.
Arrhythmogenic cardiomyopathy with wooly hair and keratoderma. Also called: PALMOPLANTAR KERATODERMA WITH LEFT VENTRICULAR CARDIOMYOPATHY AND WOOLLY HAIR; Dilated cardiomyopathy with woolly hair and keratoderma; Carvajal syndrome; Arrhythmogenic cardiomyopathy with woolly hair and keratoderma. Identifiers: Orphanet 65282, MedGen C1854063, MONDO:0011581, OMIM 605676.
Arrhythmogenic right ventricular dysplasia 8 (ARVD8). Also called: Arrhythmogenic Right Ventricular Dysplasia/Cardiomyopathy 8; ARRHYTHMOGENIC RIGHT VENTRICULAR DYSPLASIA, FAMILIAL, 8; ARRHYTHMOGENIC RIGHT VENTRICULAR CARDIOMYOPATHY 8. Identifiers: MedGen C1843896, MONDO:0011831, OMIM 607450.

Submissions (2):

Labcorp Genetics (formerly Invitae), Labcorp
Classification: Uncertain significance for Arrhythmogenic cardiomyopathy with wooly hair and keratoderma; Arrhythmogenic right ventricular dysplasia 8. Last evaluated: 2025-06-04. Review status: criteria provided, single submitter. Criteria: Invitae Variant Classification Sherloc (09022015). Collection method: clinical testing. Allele origin: germline.
Comment: This sequence change replaces asparagine, which is neutral and polar, with lysine, which is basic and polar, at codon 1760 of the DSP protein (p.Asn1760Lys). This variant is not present in population databases (gnomAD no frequency). This variant has not been reported in the literature in individuals affected with DSP-related conditions. ClinVar contains an entry for this variant (Variation ID: 3749274). An algorithm developed to predict the effect of missense changes on protein structure and function (PolyPhen-2) suggests that this variant is likely to be tolerated. In summary, the available evidence is currently insufficient to determine the role of this variant in disease. Therefore, it has been classified as a Variant of Uncertain Significance.

Color Diagnostics, LLC DBA Color Health
Classification: Uncertain significance for Cardiomyopathy. Last evaluated: 2025-05-21. Review status: criteria provided, single submitter. Criteria: ACMG Guidelines, 2015. Collection method: clinical testing. Allele origin: germline.
Comment: This missense variant replaces asparagine with lysine at codon 1760 of the DSP protein. Computational prediction suggests that this variant may not impact protein structure and function. To our knowledge, functional studies have not been reported for this variant. This variant has not been reported in individuals affected with DSP-related disorders in the literature. This variant has not been identified in the general population by the Genome Aggregation Database (gnomAD). The available evidence is insufficient to determine the role of this variant in disease conclusively. Therefore, this variant is classified as a Variant of Uncertain Significance.